The following is an entry in ClinVar:

NM_033337.3(CAV3):c.*569G>A

Genes: CAV3 (caveolin 3; plus strand), OXTR (oxytocin receptor; minus strand). Cytogenetic location: 3p25.3.
Variant type: single nucleotide variant.
Coding change: c.*569G>A on transcript NM_033337.3 (MANE Select); 569 bases downstream of the stop codon, G replaced by A.
Molecular consequence: 3 prime UTR variant.
Genome position (GRCh38, 1-based): chr3:8,746,436, G>A. VCF-style: chr3-8746436-G-A. GRCh37 (hg19) VCF-style: chr3-8788122-G-A.
Other names: c.*473G>A (NM_001234.5).
Identifiers: ClinVar variation 903138 (VCV000903138.4), dbSNP rs541345818, ClinGen allele CA69871321.

ClinVar aggregate classification (germline): Benign (1 of 4 stars; one submission).

Conditions:
Caveolinopathy. Identifiers: Orphanet 207078, MedGen C5679790, MONDO:0016146.

Allele frequency attached by ClinVar (database versions not stated): 1000 Genomes Project 30x 0.00031; 1000 Genomes Project 0.00040; TOPMed 0.00109.

Submission:

Illumina Laboratory Services, Illumina
Classification: Benign for Caveolinopathy. Last evaluated: 2018-01-12. Review status: criteria provided, single submitter. Criteria: ICSL Variant Classification Criteria 13 December 2019. Collection method: clinical testing. Allele origin: germline.
Comment: This variant was observed in the ICSL laboratory as part of a predisposition screen in an ostensibly healthy population. It had not been previously curated by ICSL or reported in the Human Gene Mutation Database (HGMD: prior to June 1st, 2018), and was therefore a candidate for classification through an automated scoring system. Utilizing variant allele frequency, disease prevalence and penetrance estimates, and inheritance mode, an automated score was calculated to assess if this variant is too frequent to cause the disease. Based on the score and internal cut-off values, a variant classified as benign is not then subjected to further curation. The score for this variant resulted in a classification of benign for this disease.